The following is an entry in ClinVar:

NM_001379081.2(FREM1):c.5479_5482del (p.Val1827fs)

Gene: FREM1 (FRAS1 related extracellular matrix 1; minus strand). Cytogenetic location: 9p22.3.
Variant type: Deletion.
Coding change: c.5479_5482del on transcript NM_001379081.2 (MANE Select); coding-DNA positions 5479 to 5482, 4 bases deleted (GTAA; older notation c.5479_5482delGTAA).
Protein change: p.Val1827fs; shifts the reading frame from valine 1827.
Molecular consequence: frameshift variant. On other transcripts: non-coding transcript variant (2), intron variant (1).
Genome position (GRCh38, 1-based): chr9:14,750,202-14,750,205, TTAC deleted on the plus strand (GTAA on the coding strand, the reverse complement: FREM1 is on the minus strand); deleting any 4 consecutive bases within chr9:14,750,202-14,750,207 gives the same sequence; the c. name uses the placement nearest the transcript's 3' end. VCF-style (leftmost placement, unchanged base first): chr9-14750201-ATTAC-A. GRCh37 (hg19) VCF-style: chr9-14750199-ATTAC-A.
Other names: c.1087_1090del, p.Val363fs (NM_001177704.3, NM_001370061.2); c.5479_5482del, p.Val1827fs (NM_144966.7); c.1016-1566_1016-1563del (NM_001370058.2); short protein forms V1827fs, V363fs.
Identifiers: ClinVar variation 4880734 (VCV004880734.2).
Genomic context (GRCh38, chr9:14,750,201, plus strand): 5'-AAAATTTTCACTGCAGCTTTTGTCTTTGTGCCAAGAACTGCATTCACAGGGGAGTTCAGA[ATTAC>A]TTCAAAGACCTCATCATCTTCCTCTAATCCGTCATAGGTAATTGCTATATTCCACATCTT-3'

ClinVar aggregate classification (germline): Likely pathogenic (1 of 4 stars; one submission).

Submission:

Dasa
Classification: Likely pathogenic. Last evaluated: 2024-10-05. Review status: criteria provided, single submitter. Criteria: DASA Assertion Criteria. Collection method: clinical testing. Allele origin: germline.
Comment: NM_001379081.2(FREM1):c.5479_5482del (p.Val1827Phefs*2) is a frameshift variant in FREM1 predicted to alter the reading frame and introduce a premature termination codon and is predicted to result in an absent or altered protein product. Loss of function is an established disease mechanism for FREM1-associated disorders. Also, this variant is absent from population databases. Based on the currently available evidence, this variant is classified as likely pathogenic.